The following is an entry in ClinVar:

ClinVar aggregate classification (germline): Uncertain significance (1 of 4 stars; one submission).

Conditions:
Combined oxidative phosphorylation defect type 24. Also called: Combined oxidative phosphorylation deficiency 24. Identifiers: Orphanet 444458, MedGen C4015643, MONDO:0014547, OMIM 616239.

Allele frequency attached by ClinVar (database versions not stated): gnomAD exomes below 0.00001.
gnomAD v4.1: 1 of 1,614,204 alleles (0.000062%); highest among the groups gnomAD compares: East Asian, 0.0022%; no homozygotes.

Submission:

Foundation for Research in Genetics and Endocrinology, FRIGE's Institute of Human Genetics
Classification: Uncertain significance for Combined oxidative phosphorylation defect type 24. Last evaluated: 2020-04-25. Review status: criteria provided, single submitter. Criteria: ACMG Guidelines, 2015. Collection method: clinical testing. Allele origin: germline. Inheritance: Autosomal recessive inheritance. Affected: yes. Observed: 1 homozygote.
Comment: A homozygous missense variation in exon 14 of the NARS2 gene that results in the amino acid substitution of Arginine for Glutamine at codon 454 was detected. The observed variant c.1361A>G (p.Gln454Arg) has not been reported in the 1000 genomes and ExAC databases. The in silico prediction of the variant are damaging by LRT and MutationTaster2. The reference codon is conserved across species. In summary, the variant meets our criteria to be classified as a variant of uncertain significance.

NM_024678.6(NARS2):c.1361A>G (p.Gln454Arg)

Gene: NARS2 (asparaginyl-tRNA synthetase 2, mitochondrial; minus strand). Cytogenetic location: 11q14.1.
Variant type: single nucleotide variant.
Coding change: c.1361A>G on transcript NM_024678.6 (MANE Select); coding-DNA position 1361, A replaced by G.
Protein change: p.Gln454Arg; replaces glutamine 454 with arginine.
Molecular consequence: missense variant.
Genome position (GRCh38, 1-based): chr11:78,436,743, T>C on the plus strand (A>G on the coding strand, the complement: NARS2 is on the minus strand). VCF-style: chr11-78436743-T-C. GRCh37 (hg19) VCF-style: chr11-78147789-T-C.
Other names: c.680A>G, p.Gln227Arg (NM_001243251.2); short protein forms Q227R, Q454R.
Identifiers: ClinVar variation 953071 (VCV000953071.4), dbSNP rs1399346230, ClinGen allele CA382178219.